The following is an entry in ClinVar:

NM_001205293.3(CACNA1E):c.8G>T (p.Arg3Leu)

Gene: CACNA1E (calcium voltage-gated channel subunit alpha1 E; plus strand). Cytogenetic location: 1q25.3.
Variant type: single nucleotide variant.
Coding change: c.8G>T on transcript NM_001205293.3 (MANE Select); coding-DNA position 8, G replaced by T.
Protein change: p.Arg3Leu; replaces arginine 3 with leucine.
Molecular consequence: missense variant.
Genome position (GRCh38, 1-based): chr1:181,483,752, G>T. VCF-style: chr1-181483752-G-T. GRCh37 (hg19) VCF-style: chr1-181452888-G-T.
Other names: c.8G>T, p.Arg3Leu (NM_000721.4, NM_001205294.2); short protein forms R3L.
Identifiers: ClinVar variation 4536955 (VCV004536955.1).

ClinVar aggregate classification (germline): Uncertain significance (1 of 4 stars; one submission).

gnomAD v4.1: 2 of 1,608,274 alleles (0.00012%); highest among the groups gnomAD compares: South Asian, 0.0022%; no homozygotes.

Submission:

Women's Health and Genetics/Laboratory Corporation of America, LabCorp
Classification: Uncertain significance. Last evaluated: 2025-11-07. Review status: criteria provided, single submitter. Criteria: LabCorp Variant Classification Summary - May 2015. Collection method: clinical testing. Allele origin: germline.
Comment: Variant summary: CACNA1E c.8G>T (p.Arg3Leu) results in a non-conservative amino acid change in the encoded protein sequence. Algorithms developed to predict the effect of missense changes on protein structure and function all suggest that this variant is likely to be disruptive. The variant allele was found at a frequency of 4.1e-06 in 246638 control chromosomes. The available data on variant occurrences in the general population are insufficient to allow any conclusion about variant significance. To our knowledge, no occurrence of c.8G>T in individuals affected with CACNA1E-related conditions and no experimental evidence demonstrating its impact on protein function have been reported. No submitters have cited clinical-significance assessments for this variant to ClinVar. Based on the evidence outlined above, the variant was classified as uncertain significance.